The following is an entry in ClinVar:

ClinVar aggregate classification (germline): Uncertain significance. Review status: criteria provided, multiple submitters, no conflicts (2 of 4 stars). 3 submissions from 3 submitters: Uncertain significance (3). Last evaluated 2025-09-10.

Conditions:
Inborn genetic diseases. Identifiers: MedGen C0950123, MeSH D030342.
Hereditary cancer-predisposing syndrome. Also called: Hereditary neoplastic syndrome; Neoplastic Syndromes, Hereditary; Tumor predisposition; Hereditary Cancer Syndrome. Identifiers: Orphanet 140162, MedGen C0027672, MeSH D009386, MONDO:0015356.
Baller-Gerold syndrome (BGS). Also called: CRANIOSYNOSTOSIS WITH RADIAL DEFECTS. Identifiers: Orphanet 1225, MedGen C0265308, MONDO:0009039, OMIM 218600.

Allele frequency attached by ClinVar (database versions not stated): TOPMed 0.00001; gnomAD 0.00002.
gnomAD v4.1: 15 of 1,610,318 alleles (0.00093%); highest among the groups gnomAD compares: Non-Finnish European, 0.00034%; no homozygotes.

Submissions (3):

Labcorp Genetics (formerly Invitae), Labcorp
Classification: Uncertain significance for Baller-Gerold syndrome. Last evaluated: 2025-09-10. Review status: criteria provided, single submitter. Criteria: Invitae Variant Classification Sherloc (09022015). Collection method: clinical testing. Allele origin: germline.
Comment: This sequence change replaces arginine, which is basic and polar, with proline, which is neutral and non-polar, at codon 84 of the RECQL4 protein (p.Arg84Pro). This variant is present in population databases (rs745596664, gnomAD 0.02%). This variant has not been reported in the literature in individuals affected with RECQL4-related conditions. ClinVar contains an entry for this variant (Variation ID: 459406). Invitae Evidence Modeling of protein sequence and biophysical properties (such as structural, functional, and spatial information, amino acid conservation, physicochemical variation, residue mobility, and thermodynamic stability) indicates that this missense variant is expected to disrupt RECQL4 protein function with a positive predictive value of 80%. In summary, the available evidence is currently insufficient to determine the role of this variant in disease. Therefore, it has been classified as a Variant of Uncertain Significance.

Ambry Genetics
Classification: Uncertain significance for Inborn genetic diseases. Last evaluated: 2024-12-28. Review status: criteria provided, single submitter. Criteria: Ambry Variant Classification Scheme 2023. Collection method: clinical testing. Allele origin: germline.
Comment: The p.R84P variant (also known as c.251G>C), located in coding exon 4 of the RECQL4 gene, results from a G to C substitution at nucleotide position 251. The arginine at codon 84 is replaced by proline, an amino acid with dissimilar properties. This amino acid position is conserved. In addition, the in silico prediction for this alteration is inconclusive. Based on the available evidence, the clinical significance of this variant remains unclear.

Sema4
Classification: Uncertain significance for Hereditary cancer-predisposing syndrome. Last evaluated: 2021-12-05. Review status: criteria provided, single submitter. Criteria: Sema4 Curation Guidelines. Collection method: curation. Allele origin: germline.
Comment: The RECQL4 c.251G>C (p.R84P) variant has not been reported in the literature to our knowledge. It was observed in 2/9784 chromosomes of the Ashkenazi Jewish subpopulation in the large and broad cohorts of the Genome Aggregation Database (PMID: 32461654), and has been reported in ClinVar (Variation ID 459406). Functional studies have not been performed, and in silico predictions of the variant's effect on protein function are inconclusive. The evidence is insufficient to meet ACMG/AMP criteria for classifying the variant as benign or pathogenic. Thus, the clinical significance of this variant is currently uncertain.

NM_004260.4(RECQL4):c.251G>C (p.Arg84Pro)

Gene: RECQL4 (RecQ like helicase 4; minus strand). Cytogenetic location: 8q24.3.
Variant type: single nucleotide variant.
Coding change: c.251G>C on transcript NM_004260.4 (MANE Select); coding-DNA position 251, G replaced by C.
Protein change: p.Arg84Pro; replaces arginine 84 with proline.
Molecular consequence: missense variant.
Genome position (GRCh38, 1-based): chr8:144,517,153, C>G on the plus strand (G>C on the coding strand, the complement: RECQL4 is on the minus strand). VCF-style: chr8-144517153-C-G. GRCh37 (hg19) VCF-style: chr8-145742537-C-G.
Other names: short protein forms R84P.
Identifiers: ClinVar variation 459406 (VCV000459406.10), dbSNP rs745596664, ClinGen allele CA4949408.